The following is an entry in ClinVar:

NM_015040.4(PIKFYVE):c.4156C>T (p.Arg1386Trp)

Gene: PIKFYVE (phosphoinositide kinase, FYVE-type zinc finger containing; plus strand). Cytogenetic location: 2q34.
Variant type: single nucleotide variant.
Coding change: c.4156C>T on transcript NM_015040.4 (MANE Select); coding-DNA position 4156, C replaced by T.
Protein change: p.Arg1386Trp; replaces arginine 1386 with tryptophan.
Molecular consequence: missense variant.
Genome position (GRCh38, 1-based): chr2:208,335,319, C>T. VCF-style: chr2-208335319-C-T. GRCh37 (hg19) VCF-style: chr2-209200043-C-T.
Other names: short protein forms R1386W.
Identifiers: ClinVar variation 895489 (VCV000895489.31), dbSNP rs188498825, ClinGen allele CA2080241.
Genomic context (GRCh38, chr2:208,335,319, plus strand): 5'-ATTAAGCTATTTTTCATTTTCTATTGGTCCTTGTATTTTCTTCTCAGTTATTCTCCCATT[C>T]GGCTTCTTGAAGTATGTGTTCCACTCCCCAAAATATTCATTAAGCGTCAGGCCCCATTAA-3'
Protein context (NP_055855.2, residues 1376-1396): MVASFSYSPI[Arg1386Trp]LLEVCVPLPK

ClinVar aggregate classification (germline): Benign/Likely benign. Review status: criteria provided, multiple submitters, no conflicts (2 of 4 stars). 4 submissions from 4 submitters: Benign (3); Likely benign (1). Last evaluated 2024-10-05.

Conditions:
Fleck corneal dystrophy (CFD). Also called: CORNEAL DYSTROPHY, FRANCOIS-NEETENS SPECKLED OR FLECKED. Identifiers: Orphanet 98970, MedGen C1562113, MONDO:0007376, OMIM 121850.

Allele frequency attached by ClinVar (database versions not stated): gnomAD 0.00049 and 0.00058; ESP Exome Variant Server 0.00054; TOPMed 0.00067; gnomAD exomes 0.00077; ExAC 0.00080; 1000 Genomes Project 0.00120; 1000 Genomes Project 30x 0.00141.
gnomAD v4.1: 1,052 of 1,603,660 alleles (0.066%); highest among the groups gnomAD compares: Middle Eastern, 0.17%; 5 homozygotes.

Submissions (4):

Labcorp Genetics (formerly Invitae), Labcorp
Classification: Benign. Last evaluated: 2024-10-05. Review status: criteria provided, single submitter. Criteria: Invitae Variant Classification Sherloc (09022015). Collection method: clinical testing. Allele origin: germline.

CeGaT Center for Human Genetics Tuebingen
Classification: Likely benign. Last evaluated: 2022-12-01. Review status: criteria provided, single submitter. Criteria: CeGaT Center For Human Genetics Tuebingen Variant Classification Criteria Version 2. Collection method: clinical testing. Allele origin: germline. Affected: yes. Observed: 1 variant allele.
Comment: PIKFYVE: BS2

Illumina Laboratory Services, Illumina
Classification: Benign for Fleck corneal dystrophy. Last evaluated: 2018-01-12. Review status: criteria provided, single submitter. Criteria: ICSL Variant Classification Criteria 13 December 2019. Collection method: clinical testing. Allele origin: germline.
Comment: This variant was observed in the ICSL laboratory as part of a predisposition screen in an ostensibly healthy population. It had not been previously curated by ICSL or reported in the Human Gene Mutation Database (HGMD: prior to June 1st, 2018), and was therefore a candidate for classification through an automated scoring system. Utilizing variant allele frequency, disease prevalence and penetrance estimates, and inheritance mode, an automated score was calculated to assess if this variant is too frequent to cause the disease. Based on the score and internal cut-off values, a variant classified as benign is not then subjected to further curation. The score for this variant resulted in a classification of benign for this disease.

Breakthrough Genomics
Classification: Benign. Review status: criteria provided, single submitter. Criteria: ACMG Guidelines, 2015. Collection method: not provided. Allele origin: germline. Inheritance: Autosomal dominant inheritance. Affected: yes.